The following is an entry in ClinVar:

NM_001793.6(CDH3):c.2264G>T (p.Gly755Val)

Gene: CDH3 (cadherin 3; plus strand). Cytogenetic location: 16q22.1.
Variant type: single nucleotide variant.
Coding change: c.2264G>T on transcript NM_001793.6 (MANE Select); coding-DNA position 2264, G replaced by T.
Protein change: p.Gly755Val; replaces glycine 755 with valine.
Molecular consequence: missense variant.
Genome position (GRCh38, 1-based): chr16:68,695,907, G>T. VCF-style: chr16-68695907-G-T. GRCh37 (hg19) VCF-style: chr16-68729810-G-T.
Other names: c.2264G>T, p.Gly755Val (NM_001317195.3); c.2099G>T, p.Gly700Val (NM_001317196.2); short protein forms G755V, G700V.
Identifiers: ClinVar variation 2123447 (VCV002123447.3), dbSNP rs1597821047, ClinGen allele CA396456418.

ClinVar aggregate classification (germline): Uncertain significance (1 of 4 stars; one submission).

Submission:

Labcorp Genetics (formerly Invitae), Labcorp
Classification: Uncertain significance. Last evaluated: 2022-04-09. Review status: criteria provided, single submitter. Criteria: Invitae Variant Classification Sherloc (09022015). Collection method: clinical testing. Allele origin: germline.
Comment: Algorithms developed to predict the effect of missense changes on protein structure and function are either unavailable or do not agree on the potential impact of this missense change (SIFT: "Not Available"; PolyPhen-2: "Probably Damaging"; Align-GVGD: "Not Available"). This variant has not been reported in the literature in individuals affected with CDH3-related conditions. This variant is not present in population databases (gnomAD no frequency). This sequence change replaces glycine, which is neutral and non-polar, with valine, which is neutral and non-polar, at codon 755 of the CDH3 protein (p.Gly755Val). In summary, the available evidence is currently insufficient to determine the role of this variant in disease. Therefore, it has been classified as a Variant of Uncertain Significance.